The following is an entry in ClinVar:

NM_000051.4(ATM):c.4109+4T>C

Gene: ATM (ATM serine/threonine kinase; plus strand). Cytogenetic location: 11q22.3.
Variant type: single nucleotide variant.
Coding change: c.4109+4T>C on transcript NM_000051.4 (MANE Select); 4 bases into the intron after coding-DNA position 4109, T replaced by C.
Molecular consequence: intron variant.
Genome position (GRCh38, 1-based): chr11:108,287,719, T>C. VCF-style: chr11-108287719-T-C. GRCh37 (hg19) VCF-style: chr11-108158446-T-C.
Other names: c.4109+4T>C (NM_001351834.2).
Identifiers: ClinVar variation 385419 (VCV000385419.22), dbSNP rs754706599, ClinGen allele CA6265394.

ClinVar aggregate classification (germline): Conflicting classifications of pathogenicity. Review status: criteria provided, conflicting classifications (1 of 4 stars). 7 submissions from 7 submitters: Uncertain significance (1); Likely benign (4). 2 of the submissions do not count toward it. Last evaluated 2025-11-27.

Conditions:
Malignant tumor of breast. Also called: Malignant breast neoplasm; Cancer breast. Identifiers: MedGen C0006142, MONDO:0007254. Disease mechanism: loss of function.
Ataxia-telangiectasia syndrome (AT). Also called: LOUIS-BAR SYNDROME; ATAXIA-TELANGIECTASIA, COMPLEMENTATION GROUP A; ATAXIA-TELANGIECTASIA, FRESNO VARIANT; Ataxia-telangiectasia; Ataxia-telangiectasia, complementation group D; AT, COMPLEMENTATION GROUP C. Identifiers: Orphanet 100, MedGen C0004135, MONDO:0008840, OMIM 208900.
ATM-related disorder. Also called: ATM-related disorders; ATM-related condition.
Hereditary cancer-predisposing syndrome. Also called: Tumor predisposition; Neoplastic Syndromes, Hereditary; Hereditary neoplastic syndrome; Hereditary Cancer Syndrome. Identifiers: Orphanet 140162, MedGen C0027672, MeSH D009386, MONDO:0015356.

Allele frequency attached by ClinVar (database versions not stated): gnomAD exomes 0.00001; ExAC 0.00002.
gnomAD v4.1: 11 of 1,604,234 alleles (0.00069%); highest among the groups gnomAD compares: South Asian, 0.012%; no homozygotes.

Submissions (7):

Labcorp Genetics (formerly Invitae), Labcorp
Classification: Likely benign for Ataxia-telangiectasia syndrome. Last evaluated: 2025-11-27. Review status: criteria provided, single submitter. Criteria: Invitae Variant Classification Sherloc (09022015). Collection method: clinical testing. Allele origin: germline.

Color Diagnostics, LLC DBA Color Health
Classification: Uncertain significance for Hereditary cancer-predisposing syndrome. Last evaluated: 2024-01-04. Review status: criteria provided, single submitter. Criteria: ACMG Guidelines, 2015. Collection method: clinical testing. Allele origin: germline.
Comment: This variant causes a T to C nucleotide substitution at the +4 position of intron 27 of the ATM gene. Splice site prediction tools suggest that this variant may impact RNA splicing, although this prediction has not been confirmed in published RNA studies. To our knowledge, this variant has not been reported in individuals affected with hereditary cancer in the literature. This variant has been identified in 3/248140 chromosomes in the general population by the Genome Aggregation Database (gnomAD). The available evidence is insufficient to determine the role of this variant in disease conclusively. Therefore, this variant is classified as a Variant of Uncertain Significance.

Blueprint Genetics
Classification: Likely benign. Last evaluated: 2022-06-02. Review status: criteria provided, single submitter. Criteria: ACMG Guidelines, 2015. Collection method: clinical testing. Allele origin: germline.

Ambry Genetics
Classification: Likely benign for Hereditary cancer-predisposing syndrome. Last evaluated: 2020-03-25. Review status: criteria provided, single submitter. Criteria: Ambry Variant Classification Scheme 2023. Collection method: clinical testing. Allele origin: germline.

GeneDx
Classification: Likely benign. Last evaluated: 2016-04-07. Review status: criteria provided, single submitter. Criteria: GeneDx Variant Classification (06012015). Collection method: clinical testing. Allele origin: germline. Affected: yes.
Comment: This variant is considered likely benign or benign based on one or more of the following criteria: it is a conservative change, it occurs at a poorly conserved position in the protein, it is predicted to be benign by multiple in silico algorithms, and/or has population frequency not consistent with disease.

PreventionGenetics, part of Exact Sciences
Classification: Likely benign for ATM-related condition. Last evaluated: 2020-02-01. Review status: no assertion criteria provided. Collection method: clinical testing. Allele origin: germline. Not counted in ClinVar's aggregate classification.
Comment: This variant is classified as likely benign based on ACMG/AMP sequence variant interpretation guidelines (Richards et al. 2015 PMID: 25741868, with internal and published modifications).

Department of Pathology and Laboratory Medicine, Sinai Health System
Classification: Uncertain significance for Malignant tumor of breast. Review status: no assertion criteria provided. Collection method: clinical testing. Allele origin: unknown. Affected: yes. Study: The Canadian Open Genetics Repository (COGR). Not counted in ClinVar's aggregate classification.
Comment: The ATM c.4109+4T>C variant was not identified in the literature nor was it identified in the COGR, MutDB, or LOVD 3.0 databases. The variant was identified in the following databases: dbSNP (ID: rs754706599) as â€šÃ„ÃºWith Likely benign alleleâ€šÃ„Ã¹, ClinVar and Clinvitae (2x as likely benign by GeneDx and as uncertain significance by Ambry Genetics). The variant was identified in control databases in 3 of 242946 chromosomes at a frequency of 0.000012 (Genome Aggregation Database Feb 27, 2017). The variant was observed in the South Asian population in 3 of 30756 chromosomes (freq: 0.000098). It was not observed in the African, â€šÃ„ÃºOtherâ€šÃ„Ã¹, Latino, European Non-Finnish, Ashkenazi Jewish, East Asian, and Finnish populations. The c.4109+4T>C variant is located in the 5' splice region but does not affect the invariant +1 and +2 positions. However, positions +3 to +6 are part of the splicing consensus sequence and variants involving these positions sometimes affect splicing. However, in silico or computational prediction software programs (SpliceSiteFinder, MaxEntScan, NNSPLICE, GeneSplicer, HumanSpliceFinder) do not predict a difference in splicing. In summary, based on the above information the clinical significance of this variant cannot be determined with certainty at this time. This variant is classified as a variant of uncertain significance.